The following is an entry in ClinVar:

NM_138691.3(TMC1):c.2201T>C (p.Met734Thr)

Gene: TMC1 (transmembrane channel like 1; plus strand). Cytogenetic location: 9q21.13.
Variant type: single nucleotide variant.
Coding change: c.2201T>C on transcript NM_138691.3 (MANE Select); coding-DNA position 2201, T replaced by C.
Protein change: p.Met734Thr; replaces methionine 734 with threonine.
Molecular consequence: missense variant.
Genome position (GRCh38, 1-based): chr9:72,830,522, T>C. VCF-style: chr9-72830522-T-C. GRCh37 (hg19) VCF-style: chr9-75445438-T-C.
Other names: short protein forms M734T.
Identifiers: ClinVar variation 2508408 (VCV002508408.6), dbSNP rs201945537, ClinGen allele CA5082177.

ClinVar aggregate classification (germline): Uncertain significance. Review status: criteria provided, multiple submitters, no conflicts (2 of 4 stars). 3 submissions from 3 submitters: Uncertain significance (3). Last evaluated 2025-06-17.

Conditions:
Inborn genetic diseases. Identifiers: MedGen C0950123, MeSH D030342.

Allele frequency attached by ClinVar (database versions not stated): 1000 Genomes Project 30x 0.00031; 1000 Genomes Project 0.00040.
gnomAD v4.1: 16 of 1,612,988 alleles (0.00099%); highest among the groups gnomAD compares: East Asian, 0.029%; no homozygotes.

Submissions (3):

Ambry Genetics
Classification: Uncertain significance for Inborn genetic diseases. Last evaluated: 2025-06-17. Review status: criteria provided, single submitter. Criteria: Ambry Variant Classification Scheme 2023. Collection method: clinical testing. Allele origin: germline.

Labcorp Genetics (formerly Invitae), Labcorp
Classification: Uncertain significance. Last evaluated: 2024-11-30. Review status: criteria provided, single submitter. Criteria: Invitae Variant Classification Sherloc (09022015). Collection method: clinical testing. Allele origin: germline.
Comment: This sequence change replaces methionine, which is neutral and non-polar, with threonine, which is neutral and polar, at codon 734 of the TMC1 protein (p.Met734Thr). This variant is present in population databases (rs201945537, gnomAD 0.06%). This variant has not been reported in the literature in individuals affected with TMC1-related conditions. ClinVar contains an entry for this variant (Variation ID: 2508408). Invitae Evidence Modeling of protein sequence and biophysical properties (such as structural, functional, and spatial information, amino acid conservation, physicochemical variation, residue mobility, and thermodynamic stability) has been performed for this missense variant. However, the output from this modeling did not meet the statistical confidence thresholds required to predict the impact of this variant on TMC1 protein function. In summary, the available evidence is currently insufficient to determine the role of this variant in disease. Therefore, it has been classified as a Variant of Uncertain Significance.

GeneDx
Classification: Uncertain significance. Last evaluated: 2024-11-06. Review status: criteria provided, single submitter. Criteria: GeneDx Variant Classification Process June 2021. Collection method: clinical testing. Allele origin: germline. Affected: yes.
Comment: In silico analysis supports that this missense variant has a deleterious effect on protein structure/function; Has not been previously published as pathogenic or benign to our knowledge